The following is an entry in ClinVar:

ClinVar aggregate classification (germline): Uncertain significance (1 of 4 stars; one submission).

Conditions:
Inborn genetic diseases. Identifiers: MedGen C0950123, MeSH D030342.

gnomAD v4.1: 8 of 1,613,714 alleles (0.0005%); highest among the groups gnomAD compares: South Asian, 0.0066%; no homozygotes.

Submission:

Ambry Genetics
Classification: Uncertain significance for Inborn genetic diseases. Last evaluated: 2026-03-19. Review status: criteria provided, single submitter. Criteria: Ambry Variant Classification Scheme 2023. Collection method: clinical testing. Allele origin: germline.
Comment: The c.4627C>G (p.Q1543E) alteration is located in exon 3 (coding exon 2) of the FLG gene. This alteration results from a C to G substitution at nucleotide position 4627, causing the glutamine (Q) at amino acid position 1543 to be replaced by a glutamic acid (E). Based on data from gnomAD, the G allele has an overall frequency of <0.001% (1/251476) total alleles studied. The highest observed frequency was 0.003% (1/30616) of South Asian alleles. Based on insufficient or conflicting evidence, the clinical significance of this alteration remains unclear.

NM_002016.2(FLG):c.4627C>G (p.Gln1543Glu)

Genes: CCDST (cervical cancer associated DHX9 suppressive transcript; plus strand), FLG (filaggrin; minus strand). Cytogenetic location: 1q21.3.
Variant type: single nucleotide variant.
Coding change: c.4627C>G on transcript NM_002016.2 (MANE Select); coding-DNA position 4627, C replaced by G.
Protein change: p.Gln1543Glu; replaces glutamine 1543 with glutamic acid.
Molecular consequence: missense variant.
Genome position (GRCh38, 1-based): chr1:152,310,259, G>C on the plus strand (C>G on the coding strand, the complement: FLG is on the minus strand). VCF-style: chr1-152310259-G-C. GRCh37 (hg19) VCF-style: chr1-152282735-G-C.
Other names: short protein forms Q1543E.
Identifiers: ClinVar variation 4871404 (VCV004871404.1).
Genomic context (GRCh38, chr1:152,310,259, plus strand): 5'-CATGGTGACGTGACCCTGAGTGCCTGGAGCCGTCTCCTGATTGTTCCTCATTTCTTGTTT[G>C]CCTGCTTGCACTTCTGGGTCCTGACTGCCCATGGGAGGCATCAGACCTTCCCTGGGGTGT-3'
Protein context (NP_002007.1, residues 1533-1553): GQSGPRSASR[Gln1543Glu]TRNEEQSGDG